The following is an entry in ClinVar:

NM_021625.5(TRPV4):c.853+121T>C

Gene: TRPV4 (transient receptor potential cation channel subfamily V member 4; minus strand). Cytogenetic location: 12q24.11.
Variant type: single nucleotide variant.
Coding change: c.853+121T>C on transcript NM_021625.5 (MANE Select); 121 bases into the intron after coding-DNA position 853, T replaced by C.
Molecular consequence: intron variant.
Genome position (GRCh38, 1-based): chr12:109,800,497, A>G on the plus strand (T>C on the coding strand, the complement: TRPV4 is on the minus strand). VCF-style: chr12-109800497-A-G. GRCh37 (hg19) VCF-style: chr12-110238302-A-G.
Other names: c.713-1585T>C (NM_001177433.1, NM_001177428.1); c.853+121T>C (NM_147204.2); c.751+121T>C (NM_001177431.1).
Identifiers: ClinVar variation 670250 (VCV000670250.2), dbSNP rs3825395, ClinGen allele CA13695956.
Genomic context (GRCh38, chr12:109,800,497, plus strand): 5'-GCAACGGCCCTGTGACCAAGACCAACGTGCAGCCTGTGGTCCAGAGTGCTGCCTGCGCTC[A>G]TGGCCAGAGTGGCCCTGGGTGTCTGGGTGATGGTCAGGGCTGCAGACACCAACCAGTATC-3'

ClinVar aggregate classification (germline): Benign. Review status: criteria provided, multiple submitters, no conflicts (2 of 4 stars). 2 submissions from 2 submitters: Benign (2). Last evaluated 2018-06-20.

Allele frequency attached by ClinVar (database versions not stated): gnomAD exomes 0.08340; 1000 Genomes Project 0.13279; 1000 Genomes Project 30x 0.13398; gnomAD 0.09916 and 0.10181; TOPMed 0.10223.
gnomAD v4.1: 113,063 of 1,320,942 alleles (8.6%); highest among the groups gnomAD compares: South Asian, 18%; 5,683 homozygotes.

Submissions (2):

GeneDx
Classification: Benign. Last evaluated: 2018-06-20. Review status: criteria provided, single submitter. Criteria: GeneDx Variant Classification (06012015). Collection method: clinical testing. Allele origin: germline. Affected: yes.
Comment: This variant is considered likely benign or benign based on one or more of the following criteria: it is a conservative change, it occurs at a poorly conserved position in the protein, it is predicted to be benign by multiple in silico algorithms, and/or has population frequency not consistent with disease.

Breakthrough Genomics
Classification: Benign. Review status: criteria provided, single submitter. Criteria: ACMG Guidelines, 2015. Collection method: not provided. Allele origin: germline. Inheritance: Autosomal dominant inheritance. Affected: yes.